The following is an entry in ClinVar:

ClinVar aggregate classification (germline): Uncertain significance (1 of 4 stars; one submission).

Allele frequency attached by ClinVar (database versions not stated): gnomAD exomes 0.00001; TOPMed 0.00001.
gnomAD v4.1: 12 of 1,613,960 alleles (0.00074%); highest among the groups gnomAD compares: South Asian, 0.0033%; no homozygotes.

Submission:

Labcorp Genetics (formerly Invitae), Labcorp
Classification: Uncertain significance. Last evaluated: 2023-10-12. Review status: criteria provided, single submitter. Criteria: Invitae Variant Classification Sherloc (09022015). Collection method: clinical testing. Allele origin: germline.
Comment: This sequence change replaces glutamic acid, which is acidic and polar, with lysine, which is basic and polar, at codon 148 of the POLD2 protein (p.Glu148Lys). This variant is not present in population databases (gnomAD no frequency). This variant has not been reported in the literature in individuals affected with POLD2-related conditions. Experimental studies and prediction algorithms are not available or were not evaluated, and the functional significance of this variant is currently unknown. In summary, the available evidence is currently insufficient to determine the role of this variant in disease. Therefore, it has been classified as a Variant of Uncertain Significance.

NM_006230.4(POLD2):c.337G>A (p.Glu113Lys)

Gene: POLD2 (DNA polymerase delta 2, accessory subunit; minus strand). Cytogenetic location: 7p13.
Variant type: single nucleotide variant.
Coding change: c.337G>A on transcript NM_006230.4 (MANE Select); coding-DNA position 337, G replaced by A.
Protein change: p.Glu113Lys; replaces glutamic acid 113 with lysine.
Molecular consequence: missense variant.
Genome position (GRCh38, 1-based): chr7:44,117,948, C>T on the plus strand (G>A on the coding strand, the complement: POLD2 is on the minus strand). VCF-style: chr7-44117948-C-T. GRCh37 (hg19) VCF-style: chr7-44157547-C-T.
Other names: c.337G>A, p.Glu113Lys (NM_001127218.3, NM_001256879.2); short protein forms E113K.
Identifiers: ClinVar variation 2908439 (VCV002908439.3), dbSNP rs1418978488, ClinGen allele CA367385243.